The following is an entry in ClinVar:

ClinVar aggregate classification (germline): Likely benign (0 of 4 stars; one submission).

Conditions:
SEMA3B-related disorder. Also called: SEMA3B-related condition.

Allele frequency attached by ClinVar (database versions not stated): 1000 Genomes Project 0.00180; 1000 Genomes Project 30x 0.00187; ExAC 0.00069; ESP Exome Variant Server 0.00130; gnomAD 0.00123; TOPMed 0.00138.
gnomAD v4.1: 427 of 1,570,814 alleles (0.027%); highest among the groups gnomAD compares: African/African-American, 0.4%; no homozygotes.

Submission:

PreventionGenetics, part of Exact Sciences
Classification: Likely benign for SEMA3B-related condition. Last evaluated: 2021-08-04. Review status: no assertion criteria provided. Collection method: clinical testing. Allele origin: germline.
Comment: This variant is classified as likely benign based on ACMG/AMP sequence variant interpretation guidelines (Richards et al. 2015 PMID: 25741868, with internal and published modifications).

NM_001290060.2(SEMA3B):c.535G>A (p.Val179Met)

Gene: SEMA3B (semaphorin 3B; plus strand). Cytogenetic location: 3p21.31.
Variant type: single nucleotide variant.
Coding change: c.535G>A on transcript NM_001290060.2 (MANE Select); coding-DNA position 535, G replaced by A.
Protein change: p.Val179Met; replaces valine 179 with methionine.
Molecular consequence: missense variant.
Genome position (GRCh38, 1-based): chr3:50,271,172, G>A. VCF-style: chr3-50271172-G-A. GRCh37 (hg19) VCF-style: chr3-50308603-G-A.
Other names: c.535G>A, p.Val179Met (NM_001005914.3, NM_001290061.1, NM_004636.4); short protein forms V179M.
Identifiers: ClinVar variation 3050584 (VCV003050584.2), dbSNP rs140793882, ClinGen allele CA2413786.